The following is an entry in ClinVar:

NM_004208.4(AIFM1):c.1030C>T (p.Leu344Phe)

Genes: AIFM1 (apoptosis inducing factor mitochondria associated 1; minus strand), RAB33A (RAB33A, member RAS oncogene family; plus strand). Cytogenetic location: Xq26.1.
Variant type: single nucleotide variant.
Coding change: c.1030C>T on transcript NM_004208.4 (MANE Select); coding-DNA position 1030, C replaced by T.
Protein change: p.Leu344Phe; replaces leucine 344 with phenylalanine.
Molecular consequence: missense variant. On other transcripts: 3 prime UTR variant (1), non-coding transcript variant (1).
Genome position (GRCh38, 1-based): chrX:130,137,123, G>A on the plus strand (C>T on the coding strand, the complement: AIFM1 is on the minus strand). VCF-style: chrX-130137123-G-A. GRCh37 (hg19) VCF-style: chrX-129271098-G-A.
Other names: AIFM1, LEU344PHE (rs184474885); c.13C>T, p.Leu5Phe (NM_001130846.4); c.*258C>T (NM_001130847.4); c.1018C>T, p.Leu340Phe (NM_145812.3); short protein forms L344F, L340F, L5F.
Identifiers: ClinVar variation 162477 (VCV000162477.20), dbSNP rs184474885, ClinGen allele CA175062.

ClinVar aggregate classification (germline): Conflicting classifications of pathogenicity. Review status: criteria provided, conflicting classifications (1 of 4 stars). 7 submissions from 7 submitters: Uncertain significance (3); Benign (1); Likely benign (1). 2 of the submissions do not count toward it. Last evaluated 2026-08-07.

Conditions:
Spondyloepimetaphyseal dysplasia, Bieganski type. Also called: SEMD X-linked with mental deterioration; Leukoencephalopathy with metaphyseal chondrodysplasia; Spondyloepimetaphyseal dysplasia, X-linked, with hypomyelinating leukodystrophy. Identifiers: Orphanet 168448, Orphanet 83629, MedGen C1846148, MONDO:0010275, OMIM 300232.
Deafness, X-linked 5 (DFNX5). Also called: AUDITORY NEUROPATHY, X-LINKED, 1, WITH PERIPHERAL SENSORY NEUROPATHY; DEAFNESS, X-LINKED 5, WITH PERIPHERAL NEUROPATHY. Identifiers: Orphanet 139583, MedGen C1845095, OMIM 300614.
Severe X-linked mitochondrial encephalomyopathy. Also called: ENCEPHALOMYOPATHY, MITOCHONDRIAL, X-LINKED. Identifiers: Orphanet 238329, MedGen C3151753, MONDO:0010437, OMIM 300816.
Charcot-Marie-Tooth disease X-linked recessive 4 (CMTX4). Also called: CHARCOT-MARIE-TOOTH DISEASE, X-LINKED RECESSIVE, 4, WITH OR WITHOUT CEREBELLAR ATAXIA; CHARCOT-MARIE-TOOTH DISEASE WITH DEAFNESS AND MENTAL RETARDATION; Cowchock syndrome. Identifiers: Orphanet 101078, MedGen C0795910, MONDO:0010689, OMIM 310490.
AIFM1-related disorder. Also called: AIFM1-related condition.
Charcot-Marie-Tooth Neuropathy X. Identifiers: MedGen CN118851.
Combined oxidative phosphorylation deficiency. Identifiers: MedGen C4540031, MONDO:0000732.

Allele frequency attached by ClinVar (database versions not stated): gnomAD 0.00004 and 0.00007; gnomAD exomes 0.00005 and 0.00019; TOPMed 0.00019; ExAC 0.00021; 1000 Genomes Project 0.00053; 1000 Genomes Project 30x 0.00062.
gnomAD v4.1: 64 of 1,209,667 alleles (0.0053%); highest among the groups gnomAD compares: East Asian, 0.17%; no homozygotes.

Submissions (7):

GeneDx
Classification: Uncertain significance. Last evaluated: 2026-08-07. Review status: criteria provided, single submitter. Criteria: GeneDx Variant Classification Process June 2021. Collection method: clinical testing. Allele origin: germline.
Comment: In silico analysis supports that this missense variant has a deleterious effect on protein structure/function; This variant is associated with the following publications: (PMID: 31832524, Chai_2021_Editorial, 34175691, 32684920, 25986071, 35578252, 39272213)

Labcorp Genetics (formerly Invitae), Labcorp
Classification: Benign for Charcot-Marie-Tooth Neuropathy X; Combined oxidative phosphorylation deficiency. Last evaluated: 2026-01-26. Review status: criteria provided, single submitter. Criteria: Invitae Variant Classification Sherloc (09022015). Collection method: clinical testing. Allele origin: germline.

PreventionGenetics, part of Exact Sciences
Classification: Likely benign for AIFM1-related condition. Last evaluated: 2025-08-19. Review status: criteria provided, single submitter. Criteria: ACMG Guidelines, 2015. Collection method: clinical testing. Allele origin: germline.
Comment: This variant is classified as likely benign based on ACMG/AMP sequence variant interpretation guidelines (Richards et al. 2015 PMID: 25741868, with internal and published modifications).

ARUP Laboratories, Molecular Genetics and Genomics, ARUP Laboratories
Classification: Uncertain significance. Last evaluated: 2024-04-16. Review status: criteria provided, single submitter. Criteria: ARUP Molecular Germline Variant Investigation Process 2024. Collection method: clinical testing. Allele origin: germline.
Comment: The AIFM1 c.1030C>T; p.Leu344Phe variant (rs184474885, ClinVar Variation ID: 162477) is reported in the literature in individuals affected with auditory neuropathy, including affected heterozygous female patients (Song 2021, Wang 2020, Zong 2015). Additionally, this variant was found in an individual affected with Charcot-Marie-Tooth disease-4 (Chen 2022), and in an infant with focal seizures (Ma 2019). This variant is found in the East Asian population with an allele frequency of 0.25% (37/14,851 alleles, including 20 hemizygotes) in the Genome Aggregation Database (v2.1.1). Computational analyses are uncertain whether this variant is neutral or deleterious (REVEL: 0.279). Due to conflicting information, the clinical significance of this variant is uncertain at this time. References: Chen J et al. Genetic origin of patients having spastic paraplegia with or without other neurologic manifestations. BMC Neurol. 2022 May 16;22(1):180. PMID: 35578252. Ma X et al. Genetic diagnosis of neonatal-onset seizures. Genes Dis. 2019 Feb 8;6(4):441-447. PMID: 31832524. Song M et al. Clinical characteristics of patients with unilateral auditory neuropathy. Am J Otolaryngol. 2021 Sep-Oct;42(5):103143. PMID: 34175691. Wang H et al. High Frequency of AIFM1 Variants and Phenotype Progression of Auditory Neuropathy in a Chinese Population. Neural Plast. 2020 Jul 1;2020:5625768. PMID: 32684920. Zong L et al. Mutations in apoptosis-inducing factor cause X-linked recessive auditory neuropathy spectrum disorder. J Med Genet. 2015 Aug;52(8):523-31. PMID: 25986071.

Juno Genomics, Hangzhou Juno Genomics, Inc
Classification: Uncertain significance for Spondyloepimetaphyseal dysplasia, Bieganski type; Severe X-linked mitochondrial encephalomyopathy; Charcot-Marie-Tooth disease X-linked recessive 4; Deafness, X-linked 5. Review status: criteria provided, single submitter. Criteria: ACMG Guidelines, 2015. Collection method: clinical testing. Allele origin: germline.
Comment: Absent from controls (or at extremely low frequency if recessive) in Genome Aggregation Database.;Multiple lines of computational evidence suggest no impact on gene or gene product.;The prevalence of the variant in affected individuals is significantly increased compared to the prevalence in controls.

OMIM
Classification: Pathogenic for DEAFNESS, X-LINKED 5. Last evaluated: 2015-08-01. Review status: no assertion criteria provided. Collection method: literature only. Allele origin: germline. Not counted in ClinVar's aggregate classification.

Deafness Gene Diagnosis, Xijing Hospital
Classification: Likely pathogenic for Deafness, X-linked 5. Review status: no assertion criteria provided. Collection method: clinical testing. Allele origin: unknown. Inheritance: Sporadic. Affected: yes. Observed: 1 variant allele, 1 homozygote. Not counted in ClinVar's aggregate classification.
Comment: missense mutation in conserved position, not detected in normal control (118 people), and Mutationtaster predicted as Disease Causing

Literature cited by the submitters: PubMed 25986071 (cited by OMIM).